The following is an entry in ClinVar:

ClinVar aggregate classification (germline): Uncertain significance (1 of 4 stars; one submission).

Submission:

Labcorp Genetics (formerly Invitae), Labcorp
Classification: Uncertain significance. Last evaluated: 2024-05-28. Review status: criteria provided, single submitter. Criteria: Invitae Variant Classification Sherloc (09022015). Collection method: clinical testing. Allele origin: germline.
Comment: This sequence change replaces cysteine, which is neutral and slightly polar, with serine, which is neutral and polar, at codon 45 of the DFNA5 protein (p.Cys45Ser). Information on the frequency of this variant in the gnomAD database is not available, as this variant may be reported differently in the database. This variant has not been reported in the literature in individuals affected with DFNA5-related conditions. An algorithm developed to predict the effect of missense changes on protein structure and function (PolyPhen-2) suggests that this variant is likely to be disruptive. In summary, the available evidence is currently insufficient to determine the role of this variant in disease. Therefore, it has been classified as a Variant of Uncertain Significance.

NM_001127453.2(GSDME):c.134_135delinsCT (p.Cys45Ser)

Gene: GSDME (gasdermin E; minus strand). Cytogenetic location: 7p15.3.
Variant type: Indel.
Coding change: c.134_135delinsCT on transcript NM_001127453.2 (MANE Select); coding-DNA positions 134 to 135, GC replaced by CT.
Protein change: p.Cys45Ser; replaces cysteine 45 with serine.
Molecular consequence: missense variant. On other transcripts: intron variant (1).
Genome position (GRCh38, 1-based): chr7:24,749,640-24,749,641, GC replaced by AG on the plus strand (GC replaced by CT on the coding strand, the reverse complement: GSDME is on the minus strand). VCF-style: chr7-24749640-GC-AG. GRCh37 (hg19) VCF-style: chr7-24789259-GC-AG.
Other names: c.134_135delinsCT, p.Cys45Ser (NM_004403.3); c.-281-4887_-281-4886delinsCT (NM_001127454.2); short protein forms C45S.
Identifiers: ClinVar variation 3649166 (VCV003649166.2).